The following is an entry in ClinVar:

NM_001128178.3(NPHP1):c.1643-3C>T

Gene: NPHP1 (nephrocystin 1; minus strand). Cytogenetic location: 2q13.
Variant type: single nucleotide variant.
Coding change: c.1643-3C>T on transcript NM_001128178.3 (MANE Select); 3 bases into the intron before coding-DNA position 1643, C replaced by T.
Molecular consequence: intron variant.
Genome position (GRCh38, 1-based): chr2:110,129,262, G>A on the plus strand (C>T on the coding strand, the complement: NPHP1 is on the minus strand). VCF-style: chr2-110129262-G-A. GRCh37 (hg19) VCF-style: chr2-110886839-G-A.
Other names: c.1454-3C>T (NM_001128179.3); c.1640-3C>T (NM_001374256.1); c.1643-3C>T (NM_001374257.1); c.1808-3C>T (NM_207181.4); c.1811-3C>T (NM_000272.5).
Identifiers: ClinVar variation 595047 (VCV000595047.11), dbSNP rs202167187, ClinGen allele CA53523806.

ClinVar aggregate classification (germline): Uncertain significance. Review status: criteria provided, multiple submitters, no conflicts (2 of 4 stars). 3 submissions from 3 submitters: Uncertain significance (3). Last evaluated 2024-01-08.

Conditions:
Nephronophthisis. Also called: Juvenile Nephronophthisis. Identifiers: Orphanet 655, MedGen C0687120, MONDO:0019005, HP:0000090.
Nephronophthisis 1 (NPHP1). Also called: Nephronophthisis familial juvenile. Identifiers: Orphanet 655, Orphanet 93592, MedGen C1855681, MONDO:0009728, OMIM 256100.
Joubert syndrome with renal defect. Also called: JOUBERT SYNDROME 4. Identifiers: Orphanet 220497, MedGen C1846790, MONDO:0012308, OMIM 609583.
Senior-Loken syndrome 1 (SLSN1). Also called: JUVENILE NEPHRONOPHTHISIS WITH LEBER AMAUROSIS. Identifiers: Orphanet 3156, MedGen C4551559, MONDO:0009962, OMIM 266900.

Allele frequency attached by ClinVar (database versions not stated): gnomAD exomes below 0.00001; gnomAD 0.00002; TOPMed 0.00004.
gnomAD v4.1: 9 of 1,610,870 alleles (0.00056%); highest among the groups gnomAD compares: Admixed American, 0.0067%; no homozygotes.

Submissions (3):

Fulgent Genetics
Classification: Uncertain significance for Nephronophthisis 1; Senior-Loken syndrome 1; Joubert syndrome with renal defect. Last evaluated: 2024-01-08. Review status: criteria provided, single submitter. Criteria: ACMG Guidelines, 2015. Collection method: clinical testing. Allele origin: germline.

Labcorp Genetics (formerly Invitae), Labcorp
Classification: Uncertain significance for Nephronophthisis. Last evaluated: 2022-07-06. Review status: criteria provided, single submitter. Criteria: Invitae Variant Classification Sherloc (09022015). Collection method: clinical testing. Allele origin: germline.
Comment: This sequence change falls in intron 17 of the NPHP1 gene. It does not directly change the encoded amino acid sequence of the NPHP1 protein. It affects a nucleotide within the consensus splice site. This variant is not present in population databases (gnomAD no frequency). This variant has not been reported in the literature in individuals affected with NPHP1-related conditions. ClinVar contains an entry for this variant (Variation ID: 595047). Variants that disrupt the consensus splice site are a relatively common cause of aberrant splicing (PMID: 17576681, 9536098). Algorithms developed to predict the effect of sequence changes on RNA splicing suggest that this variant is not likely to affect RNA splicing. In summary, the available evidence is currently insufficient to determine the role of this variant in disease. Therefore, it has been classified as a Variant of Uncertain Significance.

Eurofins Ntd Llc (ga)
Classification: Uncertain significance. Last evaluated: 2017-11-16. Review status: criteria provided, single submitter. Criteria: EGL Classification Definitions 2015. Collection method: clinical testing. Allele origin: germline. Observed: 1 variant allele, 1 heterozygote.

Literature cited by the submitters: PubMed 17576681 (cited by Labcorp Genetics (formerly Invitae), Labcorp); PubMed 9536098 (cited by Labcorp Genetics (formerly Invitae), Labcorp).